The following is an entry in ClinVar:

NM_000465.4(BARD1):c.746T>C (p.Ile249Thr)

Gene: BARD1 (BRCA1 associated RING domain 1; minus strand). Cytogenetic location: 2q35.
Variant type: single nucleotide variant.
Coding change: c.746T>C on transcript NM_000465.4 (MANE Select); coding-DNA position 746, T replaced by C.
Protein change: p.Ile249Thr; replaces isoleucine 249 with threonine.
Molecular consequence: missense variant. On other transcripts: non-coding transcript variant (2), intron variant (3).
Genome position (GRCh38, 1-based): chr2:214,781,128, A>G on the plus strand (T>C on the coding strand, the complement: BARD1 is on the minus strand). VCF-style: chr2-214781128-A-G. GRCh37 (hg19) VCF-style: chr2-215645852-A-G.
Other names: c.689T>C, p.Ile230Thr (NM_001282543.2); c.158+28284T>C (NM_001282548.2); c.215+15933T>C (NM_001282545.2); c.364+11169T>C (NM_001282549.2); short protein forms I249T, I230T.
Identifiers: ClinVar variation 482797 (VCV000482797.17), dbSNP rs780899747, ClinGen allele CA2090387.

ClinVar aggregate classification (germline): Uncertain significance. Review status: criteria provided, multiple submitters, no conflicts (2 of 4 stars). 3 submissions from 3 submitters: Uncertain significance (3). Last evaluated 2024-11-24.

Conditions:
Familial cancer of breast. Also called: BREAST CANCER, FAMILIAL; Hereditary breast cancer; hereditary breast carcinoma. Identifiers: Orphanet 227535, MedGen C0346153, MONDO:0016419, OMIM 114480. Disease mechanism: loss of function.
Hereditary cancer-predisposing syndrome. Also called: Neoplastic Syndromes, Hereditary; Tumor predisposition; Hereditary Cancer Syndrome; Hereditary neoplastic syndrome. Identifiers: Orphanet 140162, MedGen C0027672, MeSH D009386, MONDO:0015356.

Allele frequency attached by ClinVar (database versions not stated): ExAC 0.00001; gnomAD exomes 0.00001.
gnomAD v4.1: 8 of 1,575,706 alleles (0.00051%); highest among the groups gnomAD compares: Non-Finnish European, 0.00069%; no homozygotes.

Submissions (3):

Labcorp Genetics (formerly Invitae), Labcorp
Classification: Uncertain significance for Familial cancer of breast. Last evaluated: 2024-11-24. Review status: criteria provided, single submitter. Criteria: Invitae Variant Classification Sherloc (09022015). Collection method: clinical testing. Allele origin: germline.
Comment: This sequence change replaces isoleucine, which is neutral and non-polar, with threonine, which is neutral and polar, at codon 249 of the BARD1 protein (p.Ile249Thr). This variant is present in population databases (rs780899747, gnomAD 0.002%). This variant has not been reported in the literature in individuals affected with BARD1-related conditions. ClinVar contains an entry for this variant (Variation ID: 482797). An algorithm developed to predict the effect of missense changes on protein structure and function outputs the following: PolyPhen-2: "Benign". The threonine amino acid residue is found in multiple mammalian species, which suggests that this missense change does not adversely affect protein function. In summary, the available evidence is currently insufficient to determine the role of this variant in disease. Therefore, it has been classified as a Variant of Uncertain Significance.

Color Diagnostics, LLC DBA Color Health
Classification: Uncertain significance for Hereditary cancer-predisposing syndrome. Last evaluated: 2023-12-05. Review status: criteria provided, single submitter. Criteria: ACMG Guidelines, 2015. Collection method: clinical testing. Allele origin: germline.
Comment: This missense variant replaces isoleucine with threonine at codon 249 of the BARD1 protein. Computational prediction suggests that this variant may not impact protein structure and function (internally defined REVEL score threshold <= 0.5, PMID: 27666373). To our knowledge, functional studies have not been reported for this variant. This variant has not been reported in individuals affected with BARD1-related disorders in the literature. This variant has been identified in 2/216000 chromosomes in the general population by the Genome Aggregation Database (gnomAD). The available evidence is insufficient to determine the role of this variant in disease conclusively. Therefore, this variant is classified as a Variant of Uncertain Significance.

Ambry Genetics
Classification: Uncertain significance for Hereditary cancer-predisposing syndrome. Last evaluated: 2023-05-05. Review status: criteria provided, single submitter. Criteria: Ambry Variant Classification Scheme 2023. Collection method: clinical testing. Allele origin: germline.
Comment: The p.I249T variant (also known as c.746T>C), located in coding exon 4 of the BARD1 gene, results from a T to C substitution at nucleotide position 746. The isoleucine at codon 249 is replaced by threonine, an amino acid with similar properties. This amino acid position is poorly conserved in available vertebrate species. In addition, this alteration is predicted to be tolerated by in silico analysis. Since supporting evidence is limited at this time, the clinical significance of this alteration remains unclear.